The following is an entry in ClinVar:

NM_178857.6(RP1L1):c.2792G>T (p.Gly931Val)

Gene: RP1L1 (RP1 like 1). Cytogenetic location: 8p23.1.
Variant type: single nucleotide variant.
Coding change: c.2792G>T on transcript NM_178857.6 (MANE Select); coding-DNA position 2792, G replaced by T.
Protein change: p.Gly931Val; replaces glycine 931 with valine.
Molecular consequence: missense variant.
Genome position (GRCh38, 1-based): chr8:10,611,306, C>A on the plus strand (G>T on the coding strand, the complement: RP1L1 is on the minus strand). VCF-style: chr8-10611306-C-A. GRCh37 (hg19) VCF-style: chr8-10468816-C-A.
Other names: short protein forms G931V.
Identifiers: ClinVar variation 4982643 (VCV004982643.1).

ClinVar aggregate classification (germline): Uncertain significance (1 of 4 stars; one submission).

Conditions:
RP1L1-related disorder. Also called: RP1L1-related condition.

gnomAD v4.1: 29 of 1,613,002 alleles (0.0018%); highest among the groups gnomAD compares: Admixed American, 0.0067%; no homozygotes.

Submission:

PreventionGenetics, part of Exact Sciences
Classification: Uncertain significance for RP1L1-related condition. Last evaluated: 2025-11-11. Review status: criteria provided, single submitter. Criteria: ACMG Guidelines, 2015. Collection method: clinical testing. Allele origin: germline.
Comment: The RP1L1 c.2792G>T variant is predicted to result in the amino acid substitution p.Gly931Val. To our knowledge, this variant has not been reported in the literature. This variant is present in 0.012% of alleles in individuals of Latino descent in gnomAD. At this time, the clinical significance of this variant is uncertain due to the absence of conclusive functional and genetic evidence.